The following is an entry in ClinVar:

NM_003803.4(MYOM1):c.2402T>C (p.Leu801Ser)

Gene: MYOM1 (myomesin 1; minus strand). Cytogenetic location: 18p11.31.
Variant type: single nucleotide variant.
Coding change: c.2402T>C on transcript NM_003803.4 (MANE Select); coding-DNA position 2402, T replaced by C.
Protein change: p.Leu801Ser; replaces leucine 801 with serine.
Molecular consequence: missense variant.
Genome position (GRCh38, 1-based): chr18:3,131,479, A>G on the plus strand (T>C on the coding strand, the complement: MYOM1 is on the minus strand). VCF-style: chr18-3131479-A-G. GRCh37 (hg19) VCF-style: chr18-3131477-A-G.
Other names: c.2402T>C, p.Leu801Ser (NM_019856.2); short protein forms L801S.
Identifiers: ClinVar variation 2619786 (VCV002619786.2), dbSNP rs2510627804, ClinGen allele CA401711509.

ClinVar aggregate classification (germline): Uncertain significance (1 of 4 stars; one submission).

Submission:

Ambry Genetics
Classification: Uncertain significance. Last evaluated: 2023-09-06. Review status: criteria provided, single submitter. Criteria: Ambry Variant Classification Scheme 2023. Collection method: clinical testing. Allele origin: germline.
Comment: The p.L801S variant (also known as c.2402T>C), located in coding exon 16 of the MYOM1 gene, results from a T to C substitution at nucleotide position 2402. The leucine at codon 801 is replaced by serine, an amino acid with dissimilar properties. This amino acid position is conserved. In addition, this alteration is predicted to be deleterious by in silico analysis. Since supporting evidence is limited at this time, the clinical significance of this alteration remains unclear.